The following is an entry in ClinVar:

NM_020937.4(FANCM):c.115A>G (p.Lys39Glu)

Gene: FANCM (FA complementation group M; plus strand). Cytogenetic location: 14q21.2.
Variant type: single nucleotide variant.
Coding change: c.115A>G on transcript NM_020937.4 (MANE Select); coding-DNA position 115, A replaced by G.
Protein change: p.Lys39Glu; replaces lysine 39 with glutamic acid.
Molecular consequence: missense variant.
Genome position (GRCh38, 1-based): chr14:45,136,146, A>G. VCF-style: chr14-45136146-A-G. GRCh37 (hg19) VCF-style: chr14-45605349-A-G.
Other names: c.115A>G, p.Lys39Glu (NM_001308133.2, NM_001308134.2); short protein forms K39E.
Identifiers: ClinVar variation 3848591 (VCV003848591.1).

ClinVar aggregate classification (germline): Uncertain significance (1 of 4 stars; one submission).

Conditions:
Inborn genetic diseases. Identifiers: MedGen C0950123, MeSH D030342.

gnomAD v4.1: 2 of 1,614,162 alleles (0.00012%); highest among the groups gnomAD compares: Non-Finnish European, 0.00017%; no homozygotes.

Submission:

Ambry Genetics
Classification: Uncertain significance for Inborn genetic diseases. Last evaluated: 2025-01-06. Review status: criteria provided, single submitter. Criteria: Ambry Variant Classification Scheme 2023. Collection method: clinical testing. Allele origin: germline.
Comment: The p.K39E variant (also known as c.115A>G), located in coding exon 1 of the FANCM gene, results from an A to G substitution at nucleotide position 115. The lysine at codon 39 is replaced by glutamic acid, an amino acid with similar properties. This amino acid position is conserved. In addition, this alteration is predicted to be tolerated by in silico analysis. Based on the available evidence, the clinical significance of this variant remains unclear.